The following is an entry in ClinVar:

ClinVar aggregate classification (germline): Uncertain significance (1 of 4 stars; one submission).

Conditions:
Hereditary breast ovarian cancer syndrome. Also called: Hereditary breast and ovarian cancer syndrome; Breast and ovarian cancer; BRCA1- and BRCA2-Associated Hereditary Breast and Ovarian Cancer; Hereditary breast and ovarian cancer syndrome (HBOC); Hereditary breast and ovarian cancer; Hereditary breast and/or ovarian cancer syndrome. Identifiers: Orphanet 145, MedGen C0677776, MeSH D061325, MONDO:0003582. Disease mechanism: loss of function.

Submission:

Labcorp Genetics (formerly Invitae), Labcorp
Classification: Uncertain significance for Hereditary breast ovarian cancer syndrome. Last evaluated: 2022-02-04. Review status: criteria provided, single submitter. Criteria: Invitae Variant Classification Sherloc (09022015). Collection method: clinical testing. Allele origin: germline.
Comment: In summary, the available evidence is currently insufficient to determine the role of this variant in disease. Therefore, it has been classified as a Variant of Uncertain Significance. Advanced modeling of protein sequence and biophysical properties (such as structural, functional, and spatial information, amino acid conservation, physicochemical variation, residue mobility, and thermodynamic stability) performed at Invitae indicates that this missense variant is not expected to disrupt BRCA2 protein function. This variant has not been reported in the literature in individuals affected with BRCA2-related conditions. This variant is not present in population databases (gnomAD no frequency). This sequence change replaces histidine, which is basic and polar, with leucine, which is neutral and non-polar, at codon 2324 of the BRCA2 protein (p.His2324Leu).

NM_000059.4(BRCA2):c.6971A>T (p.His2324Leu)

Gene: BRCA2 (BRCA2 DNA repair associated; plus strand). Cytogenetic location: 13q13.1.
Variant type: single nucleotide variant.
Coding change: c.6971A>T on transcript NM_000059.4 (MANE Select); coding-DNA position 6971, A replaced by T.
Protein change: p.His2324Leu; replaces histidine 2324 with leucine.
Molecular consequence: missense variant.
Genome position (GRCh38, 1-based): chr13:32,346,860, A>T. VCF-style: chr13-32346860-A-T. GRCh37 (hg19) VCF-style: chr13-32920997-A-T.
Other names: c.6875A>T, p.His2292Leu (NM_001406719.1); c.6971A>T, p.His2324Leu (NM_001406720.1); c.2039A>T, p.His680Leu (NM_001406721.1); c.554A>T, p.His185Leu (NM_001406722.1); short protein forms H185L, H2292L, H680L, H2324L.
Identifiers: ClinVar variation 2092770 (VCV002092770.4), dbSNP rs398122574, ClinGen allele CA387793055.